The following is an entry in ClinVar:

ClinVar aggregate classification (germline): Uncertain significance (1 of 4 stars; one submission).

Submission:

GeneDx
Classification: Uncertain significance. Last evaluated: 2022-07-13. Review status: criteria provided, single submitter. Criteria: GeneDx Variant Classification Process June 2021. Collection method: clinical testing. Allele origin: germline. Affected: yes.
Comment: Not observed at significant frequency in large population cohorts (gnomAD); In silico analysis supports that this missense variant does not alter protein structure/function; Has not been previously published as pathogenic or benign to our knowledge

NM_006950.3(SYN1):c.1265G>C (p.Arg422Pro)

Gene: SYN1 (synapsin I; minus strand). Cytogenetic location: Xp11.3.
Variant type: single nucleotide variant.
Coding change: c.1265G>C on transcript NM_006950.3 (MANE Select); coding-DNA position 1265, G replaced by C.
Protein change: p.Arg422Pro; replaces arginine 422 with proline.
Molecular consequence: missense variant.
Genome position (GRCh38, 1-based): chrX:47,575,168, C>G on the plus strand (G>C on the coding strand, the complement: SYN1 is on the minus strand). VCF-style: chrX-47575168-C-G. GRCh37 (hg19) VCF-style: chrX-47434567-C-G.
Other names: c.1265G>C, p.Arg422Pro (NM_133499.2); short protein forms R422P.
Identifiers: ClinVar variation 1878782 (VCV001878782.1), dbSNP rs2519685842, ClinGen allele CA412825367.